The following is an entry in ClinVar:

NM_015272.5(RPGRIP1L):c.2120G>T (p.Ser707Ile)

Gene: RPGRIP1L (RPGRIP1 like; minus strand). Cytogenetic location: 16q12.2.
Variant type: single nucleotide variant.
Coding change: c.2120G>T on transcript NM_015272.5 (MANE Select); coding-DNA position 2120, G replaced by T.
Protein change: p.Ser707Ile; replaces serine 707 with isoleucine.
Molecular consequence: missense variant.
Genome position (GRCh38, 1-based): chr16:53,652,567, C>A on the plus strand (G>T on the coding strand, the complement: RPGRIP1L is on the minus strand). VCF-style: chr16-53652567-C-A. GRCh37 (hg19) VCF-style: chr16-53686479-C-A.
Other names: c.2120G>T, p.Ser707Ile (NM_001127897.4, NM_001308334.3, NM_001330538.2); short protein forms S707I.
Identifiers: ClinVar variation 843871 (VCV000843871.4), dbSNP rs151281974, ClinGen allele CA8057637.
Genomic context (GRCh38, chr16:53,652,567, plus strand): 5'-ACACCCAAGGCTTATACATTGTACTTACCAATCAAACTTGCTGTACAAAATATTCGGCCG[C>A]TTTTTTCAAGAATTTCGTGAAATTTTAATTGACATGCTGCAATTGTTTCATATTCTGTGC-3'
Protein context (NP_056087.2, residues 697-717): QLKFHEILEK[Ser707Ile]GRIFCTASLI

ClinVar aggregate classification (germline): Uncertain significance (1 of 4 stars; one submission).

Conditions:
Meckel-Gruber syndrome. Also called: DYSENCEPHALIA SPLANCHNOCYSTICA; GRUBER SYNDROME; Dysencephalia splachnocystica. Identifiers: Orphanet 564, MedGen C0265215, MONDO:0018921.
Joubert syndrome. Also called: CEREBELLOPARENCHYMAL DISORDER IV; JOUBERT-BOLTSHAUSER SYNDROME; Familial aplasia of the vermis. Identifiers: Orphanet 475, MedGen C5979921, MONDO:0018772.

Allele frequency attached by ClinVar (database versions not stated): TOPMed below 0.00001; ExAC 0.00001; gnomAD 0.00001; ESP Exome Variant Server 0.00008.
gnomAD v4.1: 2 of 1,613,850 alleles (0.00012%); highest among the groups gnomAD compares: Non-Finnish European, 0.00017%; no homozygotes.

Submission:

Labcorp Genetics (formerly Invitae), Labcorp
Classification: Uncertain significance for Joubert syndrome; Meckel-Gruber syndrome. Last evaluated: 2022-02-10. Review status: criteria provided, single submitter. Criteria: Invitae Variant Classification Sherloc (09022015). Collection method: clinical testing. Allele origin: germline.
Comment: This sequence change replaces serine, which is neutral and polar, with isoleucine, which is neutral and non-polar, at codon 707 of the RPGRIP1L protein (p.Ser707Ile). This variant is present in population databases (rs151281974, gnomAD 0.0009%). This variant has not been reported in the literature in individuals affected with RPGRIP1L-related conditions. ClinVar contains an entry for this variant (Variation ID: 843871). Algorithms developed to predict the effect of missense changes on protein structure and function (SIFT, PolyPhen-2, Align-GVGD) all suggest that this variant is likely to be disruptive. In summary, the available evidence is currently insufficient to determine the role of this variant in disease. Therefore, it has been classified as a Variant of Uncertain Significance.